The following is an entry in ClinVar:

ClinVar aggregate classification (germline): Uncertain significance (1 of 4 stars; one submission).

Conditions:
Hereditary cancer-predisposing syndrome. Also called: Neoplastic Syndromes, Hereditary; Tumor predisposition; Hereditary Cancer Syndrome; Hereditary neoplastic syndrome. Identifiers: Orphanet 140162, MedGen C0027672, MeSH D009386, MONDO:0015356.

Submission:

Ambry Genetics
Classification: Uncertain significance for Hereditary cancer-predisposing syndrome. Last evaluated: 2026-04-30. Review status: criteria provided, single submitter. Criteria: Ambry Variant Classification Scheme 2023. Collection method: clinical testing. Allele origin: germline.
Comment: The p.K1219E variant (also known as c.3655A>G), located in coding exon 25 of the SMARCA4 gene, results from an A to G substitution at nucleotide position 3655. The lysine at codon 1219 is replaced by glutamic acid, an amino acid with similar properties. This amino acid position is conserved. In addition, this alteration is predicted to be deleterious by in silico analysis. Based on the available evidence, the clinical significance of this variant remains unclear.

NM_003072.5(SMARCA4):c.3655A>G (p.Lys1219Glu)

Gene: SMARCA4 (SWI/SNF related BAF chromatin remodeling complex subunit ATPase 4; plus strand). Cytogenetic location: 19p13.2.
Variant type: single nucleotide variant.
Coding change: c.3655A>G on transcript NM_003072.5 (MANE Select); coding-DNA position 3655, A replaced by G.
Protein change: p.Lys1219Glu; replaces lysine 1219 with glutamic acid.
Molecular consequence: missense variant. On other transcripts: non-coding transcript variant (1).
Genome position (GRCh38, 1-based): chr19:11,033,398, A>G. VCF-style: chr19-11033398-A-G. GRCh37 (hg19) VCF-style: chr19-11144074-A-G.
Other names: c.3655A>G, p.Lys1219Glu (NM_001128844.3, NM_001128845.2, NM_001128846.2 and 6 more transcripts); short protein forms K1219E.
Identifiers: ClinVar variation 4864775 (VCV004864775.1).
Genomic context (GRCh38, chr19:11,033,398, plus strand): 5'-GTGCGTGTGCTCCGCCTCTGCACCGTCAACAGCGTGGAGGAGAAGATCCTAGCTGCAGCC[A>G]AGTACAAGCTCAACGTGGACCAGAAGGTGATCCAGGCCGGCATGTTCGACCAGAAGTCCT-3'
Protein context (NP_003063.2, residues 1209-1229): SVEEKILAAA[Lys1219Glu]YKLNVDQKVI